The following is an entry in ClinVar:

NM_001288705.3(CSF1R):c.1610T>C (p.Leu537Ser)

Gene: CSF1R (colony stimulating factor 1 receptor; minus strand). Cytogenetic location: 5q32.
Variant type: single nucleotide variant.
Coding change: c.1610T>C on transcript NM_001288705.3 (MANE Select); coding-DNA position 1610, T replaced by C.
Protein change: p.Leu537Ser; replaces leucine 537 with serine.
Molecular consequence: missense variant. On other transcripts: non-coding transcript variant (2).
Genome position (GRCh38, 1-based): chr5:150,068,231, A>G on the plus strand (T>C on the coding strand, the complement: CSF1R is on the minus strand). VCF-style: chr5-150068231-A-G. GRCh37 (hg19) VCF-style: chr5-149447794-A-G.
Other names: c.1610T>C, p.Leu537Ser (NM_001349736.2, NM_001375320.1, NM_005211.4); c.1166T>C, p.Leu389Ser (NM_001375321.1); short protein forms L389S, L537S.
Identifiers: ClinVar variation 4760397 (VCV004760397.1).

ClinVar aggregate classification (germline): Uncertain significance (1 of 4 stars; one submission).

Submission:

Labcorp Genetics (formerly Invitae), Labcorp
Classification: Uncertain significance. Last evaluated: 2025-09-07. Review status: criteria provided, single submitter. Criteria: Invitae Variant Classification Sherloc (09022015). Collection method: clinical testing. Allele origin: germline.
Comment: This sequence change replaces leucine, which is neutral and non-polar, with serine, which is neutral and polar, at codon 537 of the CSF1R protein (p.Leu537Ser). This variant is not present in population databases (gnomAD no frequency). This variant has not been reported in the literature in individuals affected with CSF1R-related conditions. Invitae Evidence Modeling of protein sequence and biophysical properties (such as structural, functional, and spatial information, amino acid conservation, physicochemical variation, residue mobility, and thermodynamic stability) indicates that this missense variant is not expected to disrupt CSF1R protein function with a negative predictive value of 95%. In summary, the available evidence is currently insufficient to determine the role of this variant in disease. Therefore, it has been classified as a Variant of Uncertain Significance.